The following is an entry in ClinVar:

NM_000030.3(AGXT):c.27C>A (p.Thr9=)

Gene: AGXT (alanine--glyoxylate aminotransferase; plus strand). Cytogenetic location: 2q37.3.
Variant type: single nucleotide variant.
Coding change: c.27C>A on transcript NM_000030.3 (MANE Select); coding-DNA position 27, C replaced by A.
Protein change: p.Thr9=; no amino-acid change (threonine 9 retained).
Molecular consequence: synonymous variant.
Genome position (GRCh38, 1-based): chr2:240,868,892, C>A. VCF-style: chr2-240868892-C-A. GRCh37 (hg19) VCF-style: chr2-241808309-C-A.
Identifiers: ClinVar variation 204017 (VCV000204017.14), dbSNP rs180177188, ClinGen allele CA275541.

ClinVar aggregate classification (germline): Likely benign. Review status: criteria provided, single submitter (1 of 4 stars). 3 submissions from 3 submitters: Likely benign (1). 2 of the submissions do not count toward it. Last evaluated 2025-12-29.

Conditions:
Primary hyperoxaluria, type I (HP1). Also called: GLYCOLIC ACIDURIA; HEPATIC AGT DEFICIENCY; OXALOSIS I; Primary hyperoxaluria type 1. Identifiers: Orphanet 416, Orphanet 93598, MedGen C0268164, MONDO:0009823, OMIM 259900. Disease mechanism: loss of function.

Allele frequency attached by ClinVar (database versions not stated): gnomAD 0.00003; TOPMed 0.00005; 1000 Genomes Project 30x 0.00031.
gnomAD v4.1: 37 of 1,612,922 alleles (0.0023%); highest among the groups gnomAD compares: Admixed American, 0.053%; no homozygotes.

Submissions (3):

Labcorp Genetics (formerly Invitae), Labcorp
Classification: Likely benign. Last evaluated: 2025-12-29. Review status: criteria provided, single submitter. Criteria: Invitae Variant Classification Sherloc (09022015). Collection method: clinical testing. Allele origin: germline.

Natera, Inc.
Classification: Likely benign for Primary hyperoxaluria type I. Last evaluated: 2020-09-16. Review status: no assertion criteria provided. Collection method: clinical testing. Allele origin: germline. Not counted in ClinVar's aggregate classification.

Clinical Biochemistry Laboratory, Health Services Laboratory
Classification: Uncertain significance for Primary hyperoxaluria, type I. Last evaluated: 2014-11-27. Review status: no assertion criteria provided. Collection method: research. Allele origin: germline. Affected: yes. Not counted in ClinVar's aggregate classification.
Comment: Found in conjunction with c.33dupC

Literature cited by the submitters: PubMed 19479957 (cited by Clinical Biochemistry Laboratory, Health Services Laboratory).